The following is an entry in ClinVar:

ClinVar aggregate classification (germline): Uncertain significance. Review status: criteria provided, multiple submitters, no conflicts (2 of 4 stars). 2 submissions from 2 submitters: Uncertain significance (2). Last evaluated 2024-11-27.

Submissions (2):

Women's Health and Genetics/Laboratory Corporation of America, LabCorp
Classification: Uncertain significance. Last evaluated: 2024-11-27. Review status: criteria provided, single submitter. Criteria: LabCorp Variant Classification Summary - May 2015. Collection method: clinical testing. Allele origin: germline.
Comment: Variant summary: HPS4 c.76G>A (p.Val26Ile) results in a conservative amino acid change in the encoded protein sequence. Four of five in-silico tools predict a damaging effect of the variant on protein function. The frequency data for this variant in gnomAD is considered unreliable, as metrics indicate poor data quality at this position. To our knowledge, no occurrence of c.76G>A in individuals affected with Hermansky-Pudlak Syndrome and no experimental evidence demonstrating its impact on protein function have been reported. ClinVar contains an entry for this variant (Variation ID: 1385623). Based on the evidence outlined above, the variant was classified as uncertain significance.

Labcorp Genetics (formerly Invitae), Labcorp
Classification: Uncertain significance. Last evaluated: 2022-06-27. Review status: criteria provided, single submitter. Criteria: Invitae Variant Classification Sherloc (09022015). Collection method: clinical testing. Allele origin: germline.
Comment: This sequence change replaces valine, which is neutral and non-polar, with isoleucine, which is neutral and non-polar, at codon 26 of the HPS4 protein (p.Val26Ile). This variant is not present in population databases (gnomAD no frequency). This variant has not been reported in the literature in individuals affected with HPS4-related conditions. Algorithms developed to predict the effect of missense changes on protein structure and function are either unavailable or do not agree on the potential impact of this missense change (SIFT: "Tolerated"; PolyPhen-2: "Probably Damaging"; Align-GVGD: "Class C0"). In summary, the available evidence is currently insufficient to determine the role of this variant in disease. Therefore, it has been classified as a Variant of Uncertain Significance.

NM_022081.6(HPS4):c.76G>A (p.Val26Ile)

Gene: HPS4 (HPS4 biogenesis of lysosomal organelles complex 3 subunit 2; minus strand). Cytogenetic location: 22q12.1.
Variant type: single nucleotide variant.
Coding change: c.76G>A on transcript NM_022081.6 (MANE Select); coding-DNA position 76, G replaced by A.
Protein change: p.Val26Ile; replaces valine 26 with isoleucine.
Molecular consequence: missense variant. On other transcripts: non-coding transcript variant (8).
Genome position (GRCh38, 1-based): chr22:26,479,321, C>T on the plus strand (G>A on the coding strand, the complement: HPS4 is on the minus strand). VCF-style: chr22-26479321-C-T. GRCh37 (hg19) VCF-style: chr22-26875287-C-T.
Other names: c.76G>A, p.Val26Ile (NM_001349896.1, NM_001349898.2, NM_001349899.2 and 6 more transcripts); c.61G>A, p.Val21Ile (NM_152841.2); short protein forms V21I, V26I.
Identifiers: ClinVar variation 1385623 (VCV001385623.7), dbSNP rs1484434223, ClinGen allele CA411033147.
Genomic context (GRCh38, chr22:26,479,321, plus strand): 5'-TTACCTGGGAAGGATAAAAGTAACAAATGCCAGCTCTTGTTGGATCGCCTTCTTCCTTTA[C>T]CTTGGAACCATCATAAAGAAAAAAATAATTCCACCTGGCAAGAGAACAGAGTGGAGCCAT-3'
Protein context (NP_071364.4, residues 16-36): NYFFLYDGSK[Val26Ile]KEEGDPTRAG